The following is an entry in ClinVar:

NM_020778.5(ALPK3):c.2497G>T (p.Asp833Tyr)

Gene: ALPK3 (alpha kinase 3; plus strand). Cytogenetic location: 15q25.3.
Variant type: single nucleotide variant.
Coding change: c.2497G>T on transcript NM_020778.5 (MANE Select); coding-DNA position 2497, G replaced by T.
Protein change: p.Asp833Tyr; replaces aspartic acid 833 with tyrosine.
Molecular consequence: missense variant.
Genome position (GRCh38, 1-based): chr15:84,857,235, G>T. VCF-style: chr15-84857235-G-T. GRCh37 (hg19) VCF-style: chr15-85400466-G-T.
Other names: c.3103G>T (NM_020778.4); short protein forms D833Y.
Identifiers: ClinVar variation 1423418 (VCV001423418.8), dbSNP rs2141567926, ClinGen allele CA393357361.

ClinVar aggregate classification (germline): Uncertain significance. Review status: criteria provided, multiple submitters, no conflicts (2 of 4 stars). 2 submissions from 2 submitters: Uncertain significance (2). Last evaluated 2025-10-29.

Conditions:
Cardiovascular phenotype. Identifiers: MedGen CN230736.

Allele frequency attached by ClinVar (database versions not stated): gnomAD exomes below 0.00001.
gnomAD v4.1: 2 of 1,614,028 alleles (0.00012%); highest among the groups gnomAD compares: Non-Finnish European, 0.00017%; no homozygotes.

Submissions (2):

Labcorp Genetics (formerly Invitae), Labcorp
Classification: Uncertain significance. Last evaluated: 2025-10-29. Review status: criteria provided, single submitter. Criteria: Invitae Variant Classification Sherloc (09022015). Collection method: clinical testing. Allele origin: germline.
Comment: This sequence change replaces aspartic acid, which is acidic and polar, with tyrosine, which is neutral and polar, at codon 1035 of the ALPK3 protein (p.Asp1035Tyr). This variant is not present in population databases (gnomAD no frequency). This variant has not been reported in the literature in individuals affected with ALPK3-related conditions. ClinVar contains an entry for this variant (Variation ID: 1423418). Invitae Evidence Modeling of protein sequence and biophysical properties (such as structural, functional, and spatial information, amino acid conservation, physicochemical variation, residue mobility, and thermodynamic stability) indicates that this missense variant is not expected to disrupt ALPK3 protein function with a negative predictive value of 80%. In summary, the available evidence is currently insufficient to determine the role of this variant in disease. Therefore, it has been classified as a Variant of Uncertain Significance.

Ambry Genetics
Classification: Uncertain significance for Cardiovascular phenotype. Last evaluated: 2023-06-16. Review status: criteria provided, single submitter. Criteria: Ambry Variant Classification Scheme 2023. Collection method: clinical testing. Allele origin: germline.
Comment: The p.D1035Y variant (also known as c.3103G>T), located in coding exon 6 of the ALPK3 gene, results from a G to T substitution at nucleotide position 3103. The aspartic acid at codon 1035 is replaced by tyrosine, an amino acid with highly dissimilar properties. This amino acid position is conserved. In addition, this alteration is predicted to be tolerated by in silico analysis. Since supporting evidence is limited at this time, the clinical significance of this alteration remains unclear.